The following is an entry in ClinVar:

NM_000492.4(CFTR):c.1210-15del

Genes: CFTR (CF transmembrane conductance regulator; plus strand), CFTR-AS1 (CFTR antisense RNA 1; minus strand). Cytogenetic location: 7q31.2.
Variant type: Deletion.
Coding change: c.1210-15del on transcript NM_000492.4 (MANE Select); 15 bases into the intron before coding-DNA position 1210, one base deleted (G; older notation c.1210-15delG).
Molecular consequence: intron variant.
Genome position (GRCh38, 1-based): chr7:117,548,626, G deleted. VCF-style (leftmost placement, unchanged base first): chr7-117548625-TG-T. GRCh37 (hg19) VCF-style: chr7-117188679-TG-T.
Other names: c.1210-15delG (NM_000492.3).
Identifiers: ClinVar variation 818610 (VCV000818610.7), dbSNP rs371831442, ClinGen allele CA4450941.
Genomic context (GRCh38, chr7:117,548,625, plus strand): 5'-CATCTATTGAAAATATCTGACAAACTCATCTTTTATTTTTGATGTGTGTGTGTGTGTGTG[TG>T]TGTTTTTTTAACAGGGATTTGGGGAATTATTTGAGAAAGCAAAACAAAACAATAACAATA-3'

ClinVar aggregate classification (germline): Likely benign. Review status: criteria provided, multiple submitters, no conflicts (2 of 4 stars). 3 submissions from 3 submitters: Likely benign (2). 1 of the submissions does not count toward it. Last evaluated 2021-08-31.

Conditions:
Bronchiectasis with or without elevated sweat chloride 1 (BESC1). Also called: Cystic Fibrosis-Like Syndrome. Identifiers: Orphanet 60033, MedGen C2749757, MONDO:0008887, OMIM 211400.
Cystic fibrosis (CF). Also called: MUCOVISCIDOSIS. Identifiers: Orphanet 586, MedGen C0010674, MONDO:0009061, OMIM 219700. Disease mechanism: loss of function.
Hereditary pancreatitis (PCTT). Also called: Hereditary chronic pancreatitis; PRSS1-Related Hereditary Pancreatitis. Identifiers: Orphanet 676, MedGen C0238339, MONDO:0008185, OMIM 167800.
Congenital bilateral aplasia of vas deferens from CFTR mutation (CBAVD). Identifiers: Orphanet 48, MedGen C0403814, MONDO:0010178, OMIM 277180. Disease mechanism: loss of function.
CFTR-related disorder (CFTR-RD). Also called: CFTR-related condition; CFTR-related disorders. Identifiers: MedGen C5924204, MONDO:7770004.

Allele frequency attached by ClinVar (database versions not stated): gnomAD 0.00184 and 0.00192; ExAC 0.00022; TOPMed 0.00002.

Submissions (3):

Fulgent Genetics
Classification: Likely benign for Hereditary pancreatitis; Bronchiectasis with or without elevated sweat chloride 1; Cystic fibrosis; Congenital bilateral aplasia of vas deferens from CFTR mutation. Last evaluated: 2021-08-31. Review status: criteria provided, single submitter. Criteria: ACMG Guidelines, 2015. Collection method: clinical testing. Allele origin: unknown.

Ambry Genetics
Classification: Likely benign for Cystic fibrosis. Last evaluated: 2018-09-29. Review status: criteria provided, single submitter. Criteria: Ambry Variant Classification Scheme 2023. Collection method: clinical testing. Allele origin: germline.

PreventionGenetics, part of Exact Sciences
Classification: Likely benign for CFTR-related condition. Last evaluated: 2021-03-10. Review status: no assertion criteria provided. Collection method: clinical testing. Allele origin: germline. Not counted in ClinVar's aggregate classification.
Comment: This variant is classified as likely benign based on ACMG/AMP sequence variant interpretation guidelines (Richards et al. 2015 PMID: 25741868, with internal and published modifications).